The following is an entry in ClinVar:

NM_001142730.3(KCTD1):c.1296C>T (p.Gly432=)

Gene: KCTD1 (potassium channel tetramerization domain containing 1; minus strand). Cytogenetic location: 18q11.2.
Variant type: single nucleotide variant.
Coding change: c.1296C>T on transcript NM_001142730.3 (MANE Select); coding-DNA position 1296, C replaced by T.
Protein change: p.Gly432=; no amino-acid change (glycine 432 retained).
Molecular consequence: synonymous variant. On other transcripts: intron variant (5).
Genome position (GRCh38, 1-based): chr18:26,547,241, G>A on the plus strand (C>T on the coding strand, the complement: KCTD1 is on the minus strand). VCF-style: chr18-26547241-G-A. GRCh37 (hg19) VCF-style: chr18-24127205-G-A.
Other names: c.10-45991C>T (NM_001258222.3); c.-15-45991C>T (NM_198991.4); c.-16+2488C>T (NM_001258221.2); c.-16+2003C>T (NM_001351443.1); c.-16+1650C>T (NM_001136205.2).
Identifiers: ClinVar variation 3029434 (VCV003029434.2), dbSNP rs1906564359, ClinGen allele CA988555912.

ClinVar aggregate classification (germline): Likely benign (0 of 4 stars; one submission).

Conditions:
KCTD1-related disorder. Also called: KCTD1-related condition.

Allele frequency attached by ClinVar (database versions not stated): gnomAD exomes below 0.00001; gnomAD 0.00001.
gnomAD v4.1: 5 of 1,551,502 alleles (0.00032%); highest among the groups gnomAD compares: African/African-American, 0.0014%; no homozygotes.

Submission:

PreventionGenetics, part of Exact Sciences
Classification: Likely benign for KCTD1-related condition. Last evaluated: 2023-09-29. Review status: no assertion criteria provided. Collection method: clinical testing. Allele origin: germline.
Comment: This variant is classified as likely benign based on ACMG/AMP sequence variant interpretation guidelines (Richards et al. 2015 PMID: 25741868, with internal and published modifications).